The following is an entry in ClinVar:

ClinVar aggregate classification (germline): Uncertain significance (1 of 4 stars; one submission).

Submission:

GeneDx
Classification: Uncertain significance. Last evaluated: 2023-08-08. Review status: criteria provided, single submitter. Criteria: GeneDx Variant Classification Process June 2021. Collection method: clinical testing. Allele origin: germline. Affected: yes.
Comment: Not observed at significant frequency in large population cohorts (gnomAD); In silico analysis supports that this missense variant has a deleterious effect on protein structure/function; Has not been previously published as pathogenic or benign to our knowledge

NM_001457.4(FLNB):c.6368A>C (p.Glu2123Ala)

Gene: FLNB (filamin B; plus strand). Cytogenetic location: 3p14.3.
Variant type: single nucleotide variant.
Coding change: c.6368A>C on transcript NM_001457.4 (MANE Select); coding-DNA position 6368, A replaced by C.
Protein change: p.Glu2123Ala; replaces glutamic acid 2123 with alanine.
Molecular consequence: missense variant.
Genome position (GRCh38, 1-based): chr3:58,153,375, A>C. VCF-style: chr3-58153375-A-C. GRCh37 (hg19) VCF-style: chr3-58139102-A-C.
Other names: c.6461A>C, p.Glu2154Ala (NM_001164317.2); c.6335A>C, p.Glu2112Ala (NM_001164318.2); c.6296A>C, p.Glu2099Ala (NM_001164319.2); short protein forms E2099A, E2112A, E2123A, E2154A.
Identifiers: ClinVar variation 3361834 (VCV003361834.1).
Genomic context (GRCh38, chr3:58,153,375, plus strand): 5'-CCCTGTCTCAGGCCCTTGCCCTAACCCTCTTCTCTCCCCCAACCTCCCTCCCTCTTTCAG[A>C]AATCAACAGCAGTGATATGTCGGCCCACGTCACCAGCCCCTCTGGCCGTGTGACTGAGGC-3'
Protein context (NP_001448.2, residues 2113-2133): SICDLNLKIP[Glu2123Ala]INSSDMSAHV